The following is an entry in ClinVar:

NM_001162498.3(LPAR6):c.-473T>C

Genes: LPAR6 (lysophosphatidic acid receptor 6; minus strand), RB1 (RB transcriptional corepressor 1; plus strand). Cytogenetic location: 13q14.2.
Variant type: single nucleotide variant.
Coding change: c.-473T>C on transcript NM_001162498.3 (MANE Select); 473 bases upstream of the start codon, T replaced by C.
Molecular consequence: 5 prime UTR variant. On other transcripts: intron variant (2).
Genome position (GRCh38, 1-based): chr13:48,412,896, A>G on the plus strand (T>C on the coding strand, the complement: LPAR6 is on the minus strand). VCF-style: chr13-48412896-A-G. GRCh37 (hg19) VCF-style: chr13-48987032-A-G.
Other names: c.-473T>C (NM_001162497.3, NM_001377316.2, NM_001377317.2 and 1 more transcripts); c.1695+31453A>G (NM_001407165.1, NM_000321.3).
Identifiers: ClinVar variation 1231305 (VCV001231305.4), dbSNP rs2227311, ClinGen allele CA249285800.

ClinVar aggregate classification (germline): Benign. Review status: criteria provided, multiple submitters, no conflicts (2 of 4 stars). 2 submissions from 2 submitters: Benign (2). Last evaluated 2018-07-09.

Allele frequency attached by ClinVar (database versions not stated): 1000 Genomes Project 30x 0.09713; 1000 Genomes Project 0.09824; gnomAD 0.10940 and 0.11027; TOPMed 0.10996; gnomAD exomes 0.12351.
gnomAD v4.1: 19,793 of 176,732 alleles (11%); highest among the groups gnomAD compares: Admixed American, 17%; 1,231 homozygotes.

Submissions (2):

GeneDx
Classification: Benign. Last evaluated: 2018-07-09. Review status: criteria provided, single submitter. Criteria: GeneDx Variant Classification Process June 2021. Collection method: clinical testing. Allele origin: germline. Affected: yes.
Comment: This variant is associated with the following publications: (PMID: 17047088)

Breakthrough Genomics
Classification: Benign. Review status: criteria provided, single submitter. Criteria: ACMG Guidelines, 2015. Collection method: not provided. Allele origin: germline. Inheritance: Autosomal recessive inheritance. Affected: yes.